The following is an entry in ClinVar:

NM_004415.4(DSP):c.987G>A (p.Leu329=)

Gene: DSP (desmoplakin; plus strand). Cytogenetic location: 6p24.3.
Variant type: single nucleotide variant.
Coding change: c.987G>A on transcript NM_004415.4 (MANE Select); coding-DNA position 987, G replaced by A.
Protein change: p.Leu329=; no amino-acid change (leucine 329 retained).
Molecular consequence: synonymous variant.
Genome position (GRCh38, 1-based): chr6:7,566,424, G>A. VCF-style: chr6-7566424-G-A. GRCh37 (hg19) VCF-style: chr6-7566657-G-A.
Other names: c.987G>A (LRG_423t1); c.987G>A, p.Leu329= (NM_001008844.3, NM_001319034.2).
Identifiers: ClinVar variation 382054 (VCV000382054.56), dbSNP rs564435126, ClinGen allele CA053417.

ClinVar aggregate classification (germline): Likely benign. Review status: criteria provided, multiple submitters, no conflicts (2 of 4 stars). 9 submissions from 9 submitters: Likely benign (9). Last evaluated 2026-04-01.

Conditions:
Cardiomyopathy (CMYO). Also called: Cardiomyopathies. Identifiers: Orphanet 167848, MedGen C0878544, MONDO:0004994, HP:0001638. Inheritance: Various modes of inheritance.
Arrhythmogenic cardiomyopathy with wooly hair and keratoderma. Also called: PALMOPLANTAR KERATODERMA WITH LEFT VENTRICULAR CARDIOMYOPATHY AND WOOLLY HAIR; Carvajal syndrome; Dilated cardiomyopathy with woolly hair and keratoderma; Arrhythmogenic cardiomyopathy with woolly hair and keratoderma. Identifiers: Orphanet 65282, MedGen C1854063, MONDO:0011581, OMIM 605676.
Cardiovascular phenotype. Identifiers: MedGen CN230736.
Arrhythmogenic right ventricular dysplasia 8 (ARVD8). Also called: Arrhythmogenic Right Ventricular Dysplasia/Cardiomyopathy 8; ARRHYTHMOGENIC RIGHT VENTRICULAR DYSPLASIA, FAMILIAL, 8; ARRHYTHMOGENIC RIGHT VENTRICULAR CARDIOMYOPATHY 8. Identifiers: MedGen C1843896, MONDO:0011831, OMIM 607450.
DSP-related disorder. Also called: DSP-related condition; DSP-related disorders.

Allele frequency attached by ClinVar (database versions not stated): ExAC 0.00009; gnomAD exomes 0.00009 and 0.00019; gnomAD 0.00010 and 0.00012; 1000 Genomes Project 30x 0.00016; 1000 Genomes Project 0.00020; TOPMed 0.00025.
gnomAD v4.1: 162 of 1,613,832 alleles (0.01%); highest among the groups gnomAD compares: East Asian, 0.082%; 1 homozygote.

Submissions (9):

CeGaT Center for Human Genetics Tuebingen
Classification: Likely benign. Last evaluated: 2026-04-01. Review status: criteria provided, single submitter. Criteria: CeGaT Center For Human Genetics Tuebingen Variant Classification Criteria Version 2. Collection method: clinical testing. Allele origin: germline. Affected: yes. Observed: 6 variant alleles.
Comment: DSP: BP4, BP7

PreventionGenetics, part of Exact Sciences
Classification: Likely benign for DSP-related condition. Last evaluated: 2026-01-21. Review status: criteria provided, single submitter. Criteria: ACMG Guidelines, 2015. Collection method: clinical testing. Allele origin: germline.
Comment: This variant is classified as likely benign based on ACMG/AMP sequence variant interpretation guidelines (Richards et al. 2015 PMID: 25741868, with internal and published modifications).

Labcorp Genetics (formerly Invitae), Labcorp
Classification: Likely benign for Arrhythmogenic cardiomyopathy with wooly hair and keratoderma; Arrhythmogenic right ventricular dysplasia 8. Last evaluated: 2025-12-14. Review status: criteria provided, single submitter. Criteria: Invitae Variant Classification Sherloc (09022015). Collection method: clinical testing. Allele origin: germline.

Blueprint Genetics
Classification: Likely benign. Last evaluated: 2024-11-07. Review status: criteria provided, single submitter. Criteria: ACMG Guidelines, 2015. Collection method: clinical testing. Allele origin: germline.

All of Us Research Program, National Institutes of Health
Classification: Likely benign for Arrhythmogenic cardiomyopathy with wooly hair and keratoderma. Last evaluated: 2024-01-11. Review status: criteria provided, single submitter. Criteria: ACMG Guidelines, 2015. Collection method: clinical testing. Allele origin: germline. Inheritance: Autosomal dominant inheritance. Observed: 17 variant alleles, 17 heterozygotes.
Comment: This study involves interpretation of variants in research participants for the purpose of population health screening. Participant phenotype was not available at the time of variant classification. Additional details can be found in publication PMID: 35346344, PMCID: PMC8962531

Women's Health and Genetics/Laboratory Corporation of America, LabCorp
Classification: Likely benign. Last evaluated: 2021-02-08. Review status: criteria provided, single submitter. Criteria: LabCorp Variant Classification Summary - May 2015. Collection method: clinical testing. Allele origin: germline.

Ambry Genetics
Classification: Likely benign for Cardiovascular phenotype. Last evaluated: 2021-01-29. Review status: criteria provided, single submitter. Criteria: Ambry Variant Classification Scheme 2023. Collection method: clinical testing. Allele origin: germline.

Color Diagnostics, LLC DBA Color Health
Classification: Likely benign for Cardiomyopathy. Last evaluated: 2018-12-10. Review status: criteria provided, single submitter. Criteria: ACMG Guidelines, 2015. Collection method: clinical testing. Allele origin: germline.

GeneDx
Classification: Likely benign. Last evaluated: 2016-08-22. Review status: criteria provided, single submitter. Criteria: GeneDx Variant Classification (06012015). Collection method: clinical testing. Allele origin: germline. Affected: yes.
Comment: This variant is considered likely benign or benign based on one or more of the following criteria: it is a conservative change, it occurs at a poorly conserved position in the protein, it is predicted to be benign by multiple in silico algorithms, and/or has population frequency not consistent with disease.